The following is an entry in ClinVar:

NM_175914.5(HNF4A):c.671-10A>G

Gene: HNF4A (hepatocyte nuclear factor 4 alpha; plus strand). Cytogenetic location: 20q13.12.
Variant type: single nucleotide variant.
Coding change: c.671-10A>G on transcript NM_175914.5 (MANE Select); 10 bases into the intron before coding-DNA position 671, A replaced by G.
Molecular consequence: intron variant.
Genome position (GRCh38, 1-based): chr20:44,419,711, A>G. VCF-style: chr20-44419711-A-G. GRCh37 (hg19) VCF-style: chr20-43048351-A-G.
Other names: c.662-10A>G (NM_001287182.2, NM_001287183.2, NM_001287184.2); c.671-10A>G (NM_001030003.3, NM_001030004.3); c.716-10A>G (NM_001258355.2); c.737-10A>G (NM_178849.3, NM_000457.6, NM_178850.3).
Identifiers: ClinVar variation 1512936 (VCV001512936.9), dbSNP rs2146444875, ClinGen allele CA2573157096.

ClinVar aggregate classification (germline): Uncertain significance. Review status: criteria provided, multiple submitters, no conflicts (2 of 4 stars). 2 submissions from 2 submitters: Uncertain significance (2). Last evaluated 2023-09-04.

Submissions (2):

ARUP Laboratories, Molecular Genetics and Genomics, ARUP Laboratories
Classification: Uncertain significance. Last evaluated: 2023-09-04. Review status: criteria provided, single submitter. Criteria: ARUP Molecular Germline Variant Investigation Process 2024. Collection method: clinical testing. Allele origin: germline.
Comment: The HNF4A c.671-10A>G variant, to our knowledge, is not reported in the medical literature but is reported in ClinVar (Variation ID: 1512936). This variant is also absent from the Genome Aggregation Database, indicating it is not a common polymorphism. This is an intronic variant in a weakly conserved nucleotide, but computational analyses (Alamut Visual Plus v.1.5.1) predict that this variant may impact splicing by creating a novel cryptic acceptor splice site. However, given the lack of clinical and functional data, the significance of this variant is uncertain at this time.

Labcorp Genetics (formerly Invitae), Labcorp
Classification: Uncertain significance. Last evaluated: 2020-12-28. Review status: criteria provided, single submitter. Criteria: Invitae Variant Classification Sherloc (09022015). Collection method: clinical testing. Allele origin: germline.
Comment: In summary, the available evidence is currently insufficient to determine the role of this variant in disease. Therefore, it has been classified as a Variant of Uncertain Significance. Algorithms developed to predict the effect of sequence changes on RNA splicing suggest that this variant may disrupt the consensus splice site, but this prediction has not been confirmed by published transcriptional studies. This variant has not been reported in the literature in individuals with HNF4A-related conditions. This variant is not present in population databases (ExAC no frequency). This sequence change falls in intron 6 of the HNF4A gene. It does not directly change the encoded amino acid sequence of the HNF4A protein.